The following is an entry in ClinVar:

NM_007194.4(CHEK2):c.495_496delinsAT (p.Asn166Tyr)

Gene: CHEK2 (checkpoint kinase 2; minus strand). Cytogenetic location: 22q12.1.
Variant type: Indel.
Coding change: c.495_496delinsAT on transcript NM_007194.4 (MANE Select); coding-DNA positions 495 to 496, CA replaced by AT.
Protein change: p.Asn166Tyr; replaces asparagine 166 with tyrosine.
Molecular consequence: missense variant. On other transcripts: 5 prime UTR variant (2), intron variant (1).
Genome position (GRCh38, 1-based): chr22:28,725,073-28,725,074, TG replaced by AT on the plus strand (CA replaced by AT on the coding strand, the reverse complement: CHEK2 is on the minus strand). VCF-style: chr22-28725073-TG-AT. GRCh37 (hg19) VCF-style: chr22-29121061-TG-AT.
Other names: c.495_496delCAinsAT (NM_007194.3); c.624_625delinsAT, p.Asn209Tyr (NM_001005735.3, NM_001438294.1); c.-283_-282delinsAT (NM_001257387.3); c.-169_-168delinsAT (NM_001437942.1); c.588_589delinsAT, p.Asn197Tyr (NM_001438293.1, NM_001438295.1); c.495_496delinsAT, p.Asn166Tyr (NM_145862.3); c.445-151_445-150delinsAT (NM_001349956.3); short protein forms N166Y, N209Y, N197Y.
Identifiers: ClinVar variation 847003 (VCV000847003.10), dbSNP rs2053944540, ClinGen allele CA916083804.

ClinVar aggregate classification (germline): Uncertain significance. Review status: criteria provided, multiple submitters, no conflicts (2 of 4 stars). 2 submissions from 2 submitters: Uncertain significance (2). Last evaluated 2026-02-23.

Conditions:
Hereditary cancer-predisposing syndrome. Also called: Hereditary Cancer Syndrome; Tumor predisposition; Neoplastic Syndromes, Hereditary; Hereditary neoplastic syndrome. Identifiers: Orphanet 140162, MedGen C0027672, MeSH D009386, MONDO:0015356.
Familial cancer of breast. Also called: Hereditary breast cancer; BREAST CANCER, FAMILIAL; hereditary breast carcinoma. Identifiers: Orphanet 227535, MedGen C0346153, MONDO:0016419, OMIM 114480. Disease mechanism: loss of function.

Submissions (2):

Ambry Genetics
Classification: Uncertain significance for Hereditary cancer-predisposing syndrome. Last evaluated: 2026-02-23. Review status: criteria provided, single submitter. Criteria: Ambry Variant Classification Scheme 2023. Collection method: clinical testing. Allele origin: germline.
Comment: The c.495_496delCAinsAT variant, located in coding exon 3 of the CHEK2 gene, results from an in-frame deletion of CA and insertion of AT at nucleotide positions 495 to 496. This results in the substitution of the asparagine residue for a tyrosine residue at codon 166, an amino acid with dissimilar properties. This amino acid position is highly conserved in available vertebrate species. In addition, the in silico prediction for this variant is inconclusive (Choi Y et al. PLoS ONE. 2012; 7(10):e46688). Based on the available evidence, the clinical significance of this variant remains unclear.

Labcorp Genetics (formerly Invitae), Labcorp
Classification: Uncertain significance for Familial cancer of breast. Last evaluated: 2025-08-05. Review status: criteria provided, single submitter. Criteria: Invitae Variant Classification Sherloc (09022015). Collection method: clinical testing. Allele origin: germline.
Comment: This sequence change replaces asparagine, which is neutral and polar, with tyrosine, which is neutral and polar, at codon 166 of the CHEK2 protein (p.Asn166Tyr). Information on the frequency of this variant in the gnomAD database is not available, as this variant may be reported differently in the database. This variant has not been reported in the literature in individuals affected with CHEK2-related conditions. ClinVar contains an entry for this variant (Variation ID: 847003). Experimental studies and prediction algorithms are not available or were not evaluated, and the functional significance of this variant is currently unknown. In summary, the available evidence is currently insufficient to determine the role of this variant in disease. Therefore, it has been classified as a Variant of Uncertain Significance.